The following is an entry in ClinVar:

NM_020401.4(NUP107):c.1063C>T (p.Arg355Cys)

Gene: NUP107 (nucleoporin 107; plus strand). Cytogenetic location: 12q15.
Variant type: single nucleotide variant.
Coding change: c.1063C>T on transcript NM_020401.4 (MANE Select); coding-DNA position 1063, C replaced by T.
Protein change: p.Arg355Cys; replaces arginine 355 with cysteine.
Molecular consequence: missense variant.
Genome position (GRCh38, 1-based): chr12:68,715,720, C>T. VCF-style: chr12-68715720-C-T. GRCh37 (hg19) VCF-style: chr12-69109500-C-T.
Other names: c.976C>T, p.Arg326Cys (NM_001330192.2); short protein forms R326C, R355C.
Identifiers: ClinVar variation 3067843 (VCV003067843.2), dbSNP rs1165860389, ClinGen allele CA385692838.

ClinVar aggregate classification (germline): Likely pathogenic. Review status: criteria provided, multiple submitters, no conflicts (2 of 4 stars). 2 submissions from 2 submitters: Likely pathogenic (2). Last evaluated 2025-10-26.

Conditions:
Galloway-Mowat syndrome 7. Identifiers: MedGen C5193044, MONDO:0032692, OMIM 618348.

Allele frequency attached by ClinVar (database versions not stated): gnomAD 0.00001; gnomAD exomes 0.00002.
gnomAD v4.1: 27 of 1,606,774 alleles (0.0017%); highest among the groups gnomAD compares: Admixed American, 0.0083%; no homozygotes.

Submissions (2):

Labcorp Genetics (formerly Invitae), Labcorp
Classification: Likely pathogenic. Last evaluated: 2025-10-26. Review status: criteria provided, single submitter. Criteria: Invitae Variant Classification Sherloc (09022015). Collection method: clinical testing. Allele origin: germline.
Comment: This sequence change replaces arginine, which is basic and polar, with cysteine, which is neutral and slightly polar, at codon 355 of the NUP107 protein (p.Arg355Cys). This variant is present in population databases (no rsID available, gnomAD 0.009%). This missense change has been observed in individuals with clinical features of ovarian dysgenesis (PMID: 29363275, 35115167). It has also been observed to segregate with disease in related individuals. ClinVar contains an entry for this variant (Variation ID: 3067843). Invitae Evidence Modeling of protein sequence and biophysical properties (such as structural, functional, and spatial information, amino acid conservation, physicochemical variation, residue mobility, and thermodynamic stability) indicates that this missense variant is expected to disrupt NUP107 protein function with a positive predictive value of 80%. This variant disrupts the p.Arg355 amino acid residue in NUP107. Other variant(s) that disrupt this residue have been observed in individuals with NUP107-related conditions (PMID: 34707299), which suggests that this may be a clinically significant amino acid residue. In summary, the currently available evidence indicates that the variant is pathogenic, but additional data are needed to prove that conclusively. Therefore, this variant has been classified as Likely Pathogenic.

Genomic Medicine Center of Excellence, King Faisal Specialist Hospital and Research Centre
Classification: Likely pathogenic for Galloway-Mowat syndrome 7. Last evaluated: 2024-04-04. Review status: criteria provided, single submitter. Criteria: ACMG Guidelines, 2015. Collection method: clinical testing. Allele origin: germline.

Literature cited by the submitters: PubMed 29363275 (cited by Labcorp Genetics (formerly Invitae), Labcorp); PubMed 35115167 (cited by Labcorp Genetics (formerly Invitae), Labcorp); PubMed 34707299 (cited by Labcorp Genetics (formerly Invitae), Labcorp).